The following is an entry in ClinVar:

NM_024105.4(ALG12):c.496C>T (p.Arg166Trp)

Gene: ALG12 (ALG12 alpha-1,6-mannosyltransferase; minus strand). Cytogenetic location: 22q13.33.
Variant type: single nucleotide variant.
Coding change: c.496C>T on transcript NM_024105.4 (MANE Select); coding-DNA position 496, C replaced by T.
Protein change: p.Arg166Trp; replaces arginine 166 with tryptophan.
Molecular consequence: missense variant.
Genome position (GRCh38, 1-based): chr22:49,910,062, G>A on the plus strand (C>T on the coding strand, the complement: ALG12 is on the minus strand). VCF-style: chr22-49910062-G-A. GRCh37 (hg19) VCF-style: chr22-50303710-G-A.
Other names: short protein forms R166W.
Identifiers: ClinVar variation 998963 (VCV000998963.6), dbSNP rs375139092, ClinGen allele CA10300571.
Genomic context (GRCh38, chr22:49,910,062, plus strand): 5'-CCACCCTGAACACGATGATGGCGAAGGCTGACAGCCAGATGAAGCGGGCCCACTCGTGCC[G>A]CAGCCAGGCCGCGAGGGCCAGCAGGACTGCAAGACAGTGCGGGAGGGTGCTCGTCAAGAC-3'
Protein context (NP_077010.1, residues 156-176): VVLLALAAWL[Arg166Trp]HEWARFIWLS

ClinVar aggregate classification (germline): Uncertain significance (1 of 4 stars; one submission).

Conditions:
ALG12-congenital disorder of glycosylation (CDG1G). Also called: Congenital disorder of glycosylation, type Ig; ALG12-CDG; CDG Ig. Identifiers: Orphanet 79324, MedGen C2931001, MONDO:0011783, OMIM 607143.

Allele frequency attached by ClinVar (database versions not stated): gnomAD exomes 0.00001; ExAC 0.00002; gnomAD 0.00003; TOPMed 0.00003; ESP Exome Variant Server 0.00008.

Submission:

Labcorp Genetics (formerly Invitae), Labcorp
Classification: Uncertain significance for ALG12-congenital disorder of glycosylation. Last evaluated: 2022-10-25. Review status: criteria provided, single submitter. Criteria: Invitae Variant Classification Sherloc (09022015). Collection method: clinical testing. Allele origin: germline.
Comment: This sequence change replaces arginine, which is basic and polar, with tryptophan, which is neutral and slightly polar, at codon 166 of the ALG12 protein (p.Arg166Trp). The frequency data for this variant in the population databases is considered unreliable, as metrics indicate poor data quality at this position in the gnomAD database. This variant has not been reported in the literature in individuals affected with ALG12-related conditions. ClinVar contains an entry for this variant (Variation ID: 998963). Advanced modeling of protein sequence and biophysical properties (such as structural, functional, and spatial information, amino acid conservation, physicochemical variation, residue mobility, and thermodynamic stability) performed at Invitae indicates that this missense variant is not expected to disrupt ALG12 protein function. In summary, the available evidence is currently insufficient to determine the role of this variant in disease. Therefore, it has been classified as a Variant of Uncertain Significance.